The following is an entry in ClinVar:

NM_003000.3(SDHB):c.325_335del (p.Asn109fs)

Gene: SDHB (succinate dehydrogenase complex iron sulfur subunit B; minus strand). Cytogenetic location: 1p36.13.
Variant type: Deletion.
Coding change: c.325_335del on transcript NM_003000.3 (MANE Select); coding-DNA positions 325 to 335, 11 bases deleted (AACACTCTAGC).
Protein change: p.Asn109fs; shifts the reading frame from asparagine 109.
Molecular consequence: frameshift variant.
Genome position (GRCh38, 1-based): chr1:17,028,688-17,028,698, GCTAGAGTGTT deleted on the plus strand (AACACTCTAGC on the coding strand, the reverse complement: SDHB is on the minus strand); deleting any 11 consecutive bases within chr1:17,028,688-17,028,700 gives the same sequence; the c. name uses the placement nearest the transcript's 3' end. VCF-style (leftmost placement, unchanged base first): chr1-17028687-AGCTAGAGTGTT-A. GRCh37 (hg19) VCF-style: chr1-17355182-AGCTAGAGTGTT-A.
Other names: short protein forms N109fs.
Identifiers: ClinVar variation 1457554 (VCV001457554.8), dbSNP rs2101523248, ClinGen allele CA658655532.

ClinVar aggregate classification (germline): Pathogenic (1 of 4 stars; one submission).

Conditions:
Gastrointestinal stromal tumor. Also called: Gastrointestinal stroma tumor; Gastrointestinal stromal tumor, somatic. Identifiers: Orphanet 44890, MedGen C0238198, MeSH D046152, MONDO:0011719, OMIM 606764, HP:0100723.
Pheochromocytoma/paraganglioma syndrome 4. Also called: CAROTID BODY TUMORS AND MULTIPLE EXTRAADRENAL PHEOCHROMOCYTOMAS; SDHB-Related Hereditary Paraganglioma-Pheochromocytoma Syndrome; PARAGANGLIOMA, FAMILIAL MALIGNANT; PARAGANGLIOMAS, HEREDITARY EXTRAADRENAL; PHEOCHROMOCYTOMA, FAMILIAL EXTRAADRENAL; Paragangliomas 4. Identifiers: Orphanet 29072, MedGen C1861848, MONDO:0007273, OMIM 115310.
Pheochromocytoma. Also called: MAX-Related Hereditary Paraganglioma-Pheochromocytoma Syndrome. Identifiers: Orphanet 29072, MedGen C0031511, MONDO:0008233, OMIM 171300, HP:0002666.

Submission:

Labcorp Genetics (formerly Invitae), Labcorp
Classification: Pathogenic for Gastrointestinal stromal tumor; Pheochromocytoma/paraganglioma syndrome 4; Pheochromocytoma. Last evaluated: 2024-04-10. Review status: criteria provided, single submitter. Criteria: Invitae Variant Classification Sherloc (09022015). Collection method: clinical testing. Allele origin: germline.
Comment: This sequence change creates a premature translational stop signal (p.Asn109Leufs*6) in the SDHB gene. It is expected to result in an absent or disrupted protein product. Loss-of-function variants in SDHB are known to be pathogenic (PMID: 19454582, 19802898). This variant is not present in population databases (gnomAD no frequency). This premature translational stop signal has been observed in individual(s) with personal or family history of paraganglioma and/or pheochromocytoma (PMID: 29386252). ClinVar contains an entry for this variant (Variation ID: 1457554). For these reasons, this variant has been classified as Pathogenic.

Literature cited by the submitters: PubMed 19454582; PubMed 19802898; PubMed 29386252.